The following is an entry in ClinVar:

ClinVar aggregate classification (germline): Pathogenic/Likely pathogenic. Review status: criteria provided, multiple submitters, no conflicts (2 of 4 stars). 5 submissions from 5 submitters: Pathogenic (4); Likely pathogenic (1). Last evaluated 2025-02-10.

Conditions:
CAPN3-related disorder. Also called: CAPN3-related condition; CAPN3-related disorders. Identifiers: MedGen CN239245.
Autosomal recessive limb-girdle muscular dystrophy type 2A (LGMDR1). Also called: LEYDEN-MOEBIUS MUSCULAR DYSTROPHY; MUSCULAR DYSTROPHY, PELVOFEMORAL; Limb-girdle muscular dystrophy, type 2A; Calpainopathy; Muscular dystrophy, limb-girdle, type 2A, Amish. Identifiers: Orphanet 267, MedGen C1869123, MONDO:0009675, OMIM 253600. Disease mechanism: loss of function.

Submissions (5):

Labcorp Genetics (formerly Invitae), Labcorp
Classification: Pathogenic for Autosomal recessive limb-girdle muscular dystrophy type 2A. Last evaluated: 2025-02-10. Review status: criteria provided, single submitter. Criteria: Invitae Variant Classification Sherloc (09022015). Collection method: clinical testing. Allele origin: germline.
Comment: This sequence change creates a premature translational stop signal (p.Trp376*) in the CAPN3 gene. It is expected to result in an absent or disrupted protein product. Loss-of-function variants in CAPN3 are known to be pathogenic (PMID: 10330340, 15689361). This variant is not present in population databases (gnomAD no frequency). This premature translational stop signal has been observed in individual(s) with limb-girdle muscular dystrophy (PMID: 20517216). ClinVar contains an entry for this variant (Variation ID: 498184). For these reasons, this variant has been classified as Pathogenic.

Natera, Inc.
Classification: Likely pathogenic for Limb-girdle muscular dystrophy type 2A. Last evaluated: 2024-09-09. Review status: criteria provided, single submitter. Criteria: Natera Variant Classification Schema (03/2026). Collection method: clinical testing. Allele origin: germline.
Comment: The c.1127G>A variant in CAPN3 is a nonsense variant predicted to introduce a stop codon at amino acid 376. This variant may result in a truncated or dysfunctional protein product. This variant is rare in the general population with a frequency below the threshold expected for the associated phenotype(s). Given the available evidence, this variant is classified as Likely Pathogenic.

Blueprint Genetics
Classification: Pathogenic for CAPN3-related disorders. Last evaluated: 2024-06-28. Review status: criteria provided, single submitter. Criteria: ACMG Guidelines, 2015. Collection method: clinical testing. Allele origin: germline. Affected: yes. Observed: 4 variant alleles.

Myriad Genetics, Inc.
Classification: Pathogenic for Autosomal recessive limb-girdle muscular dystrophy type 2A. Last evaluated: 2024-05-08. Review status: criteria provided, single submitter. Criteria: Myriad Autosomal Dominant, Autosomal Recessive and X-Linked Classification Criteria (2023). Collection method: clinical testing. Allele origin: unknown.
Comment: NM_000070.2(CAPN3):c.1127G>A(W376*) is expected to be pathogenic in the context of calpainopathy. This variant is predicted to lead to an abnormal or absent protein product due to the creation of a premature termination codon in CAPN3, a gene where loss-of-function variants are known to be pathogenic. Please note: this variant was assessed in the context of healthy population screening.

Eurofins Ntd Llc (ga)
Classification: Pathogenic. Last evaluated: 2016-11-03. Review status: criteria provided, single submitter. Criteria: EGL Classification Definitions 2015. Collection method: clinical testing. Allele origin: germline. Observed: 1 variant allele, 1 homozygote.

Literature cited by the submitters: PubMed 10330340 (cited by Labcorp Genetics (formerly Invitae), Labcorp); PubMed 15689361 (cited by Labcorp Genetics (formerly Invitae), Labcorp); PubMed 20517216 (cited by Labcorp Genetics (formerly Invitae), Labcorp).

NM_000070.3(CAPN3):c.1127G>A (p.Trp376Ter)

Gene: CAPN3 (calpain 3; plus strand). Cytogenetic location: 15q15.1.
Variant type: single nucleotide variant.
Coding change: c.1127G>A on transcript NM_000070.3 (MANE Select); coding-DNA position 1127, G replaced by A.
Protein change: p.Trp376Ter; replaces tryptophan 376 with a stop codon.
Molecular consequence: nonsense.
Genome position (GRCh38, 1-based): chr15:42,396,811, G>A. VCF-style: chr15-42396811-G-A. GRCh37 (hg19) VCF-style: chr15-42689009-G-A.
Other names: c.1127G>A, p.Trp376Ter (NM_024344.2); c.983G>A, p.Trp328Ter (NM_173087.2); c.1127G>A (NM_000070.2); short protein forms W376*, W328*.
Identifiers: ClinVar variation 498184 (VCV000498184.18), dbSNP rs1555421524, ClinGen allele CA391999140.